The following is an entry in ClinVar:

ClinVar aggregate classification (germline): Likely benign. Review status: criteria provided, multiple submitters, no conflicts (2 of 4 stars). 3 submissions from 3 submitters: Likely benign (2). 1 of the submissions does not count toward it. Last evaluated 2025-03-12.

Conditions:
SAG-related disorder. Also called: SAG-related disorders; SAG-related condition.

Allele frequency attached by ClinVar (database versions not stated): gnomAD exomes 0.00003 and 0.00005; gnomAD 0.00004; TOPMed 0.00005; ExAC 0.00008.

Submissions (3):

Labcorp Genetics (formerly Invitae), Labcorp
Classification: Likely benign. Last evaluated: 2025-03-12. Review status: criteria provided, single submitter. Criteria: Invitae Variant Classification Sherloc (09022015). Collection method: clinical testing. Allele origin: germline.

Blueprint Genetics
Classification: Likely benign. Last evaluated: 2024-05-06. Review status: criteria provided, single submitter. Criteria: ACMG Guidelines, 2015. Collection method: clinical testing. Allele origin: germline.

PreventionGenetics, part of Exact Sciences
Classification: Likely benign for SAG-related condition. Last evaluated: 2019-08-28. Review status: no assertion criteria provided. Collection method: clinical testing. Allele origin: germline. Not counted in ClinVar's aggregate classification.
Comment: This variant is classified as likely benign based on ACMG/AMP sequence variant interpretation guidelines (Richards et al. 2015 PMID: 25741868, with internal and published modifications).

NM_000541.5(SAG):c.945-9T>C

Gene: SAG (S-antigen visual arrestin; plus strand). Cytogenetic location: 2q37.1.
Variant type: single nucleotide variant.
Coding change: c.945-9T>C on transcript NM_000541.5 (MANE Select); 9 bases into the intron before coding-DNA position 945, T replaced by C.
Molecular consequence: intron variant.
Genome position (GRCh38, 1-based): chr2:233,338,667, T>C. VCF-style: chr2-233338667-T-C. GRCh37 (hg19) VCF-style: chr2-234247313-T-C.
Other names: c.945-9T>C (NM_000541.4).
Identifiers: ClinVar variation 1109866 (VCV001109866.12), dbSNP rs781599131, ClinGen allele CA2174596.